The following is an entry in ClinVar:

ClinVar aggregate classification (germline): Conflicting classifications of pathogenicity. Review status: criteria provided, conflicting classifications (1 of 4 stars). 13 submissions from 11 submitters: Uncertain significance (5); Benign (1); Likely benign (7). Last evaluated 2026-04-01.

Conditions:
DSP-related disorder. Also called: DSP-related condition; DSP-related disorders.
Cardiovascular phenotype. Identifiers: MedGen CN230736.
Ventricular tachycardia. Identifiers: MedGen C0042514, MONDO:0005477, HP:0004756.
Cardiomyopathy (CMYO). Also called: Cardiomyopathies. Identifiers: Orphanet 167848, MedGen C0878544, MONDO:0004994, HP:0001638. Inheritance: Various modes of inheritance.
Arrhythmogenic cardiomyopathy with wooly hair and keratoderma. Also called: Carvajal syndrome; PALMOPLANTAR KERATODERMA WITH LEFT VENTRICULAR CARDIOMYOPATHY AND WOOLLY HAIR; Arrhythmogenic cardiomyopathy with woolly hair and keratoderma; Dilated cardiomyopathy with woolly hair and keratoderma. Identifiers: Orphanet 65282, MedGen C1854063, MONDO:0011581, OMIM 605676.
Arrhythmogenic right ventricular dysplasia 8 (ARVD8). Also called: Arrhythmogenic Right Ventricular Dysplasia/Cardiomyopathy 8; ARRHYTHMOGENIC RIGHT VENTRICULAR DYSPLASIA, FAMILIAL, 8; ARRHYTHMOGENIC RIGHT VENTRICULAR CARDIOMYOPATHY 8. Identifiers: MedGen C1843896, MONDO:0011831, OMIM 607450.
Lethal acantholytic epidermolysis bullosa (EBLA). Identifiers: Orphanet 158687, MedGen C1864826, MONDO:0012323, OMIM 609638.
Woolly hair-skin fragility syndrome (WHSF). Identifiers: Orphanet 293165, MedGen C1843292, MONDO:0957307, OMIM 620415.

Allele frequency attached by ClinVar (database versions not stated): TOPMed 0.00009; gnomAD 0.00011; ExAC 0.00013; ESP Exome Variant Server 0.00015.
gnomAD v4.1: 176 of 1,614,082 alleles (0.011%); highest among the groups gnomAD compares: Non-Finnish European, 0.0025%; 2 homozygotes.

Submissions (13):

CeGaT Center for Human Genetics Tuebingen
Classification: Benign. Last evaluated: 2026-04-01. Review status: criteria provided, single submitter. Criteria: CeGaT Center For Human Genetics Tuebingen Variant Classification Criteria Version 2. Collection method: clinical testing. Allele origin: germline. Affected: yes. Observed: 5 variant alleles.
Comment: DSP: BS1, BS2

Labcorp Genetics (formerly Invitae), Labcorp
Classification: Likely benign for Arrhythmogenic cardiomyopathy with wooly hair and keratoderma; Arrhythmogenic right ventricular dysplasia 8. Last evaluated: 2026-01-31. Review status: criteria provided, single submitter. Criteria: Invitae Variant Classification Sherloc (09022015). Collection method: clinical testing. Allele origin: germline.

PreventionGenetics, part of Exact Sciences
Classification: Likely benign for DSP-related condition. Last evaluated: 2025-12-22. Review status: criteria provided, single submitter. Criteria: ACMG Guidelines, 2015. Collection method: clinical testing. Allele origin: germline.
Comment: This variant is classified as likely benign based on ACMG/AMP sequence variant interpretation guidelines (Richards et al. 2015 PMID: 25741868, with internal and published modifications).

Women's Health and Genetics/Laboratory Corporation of America, LabCorp
Classification: Likely benign. Last evaluated: 2025-06-02. Review status: criteria provided, single submitter. Criteria: LabCorp Variant Classification Summary - May 2015. Collection method: clinical testing. Allele origin: germline.
Comment: Variant summary: DSP c.1483G>A (p.Val495Met) results in a conservative amino acid change located in the SH3 domain (IPR001452) of the encoded protein sequence. Algorithms developed to predict the effect of missense changes on protein structure and function are either unavailable or do not agree on the potential impact of this missense change. The variant allele was found at a frequency of 0.00019 in 251462 control chromosomes. The observed variant frequency is approximately 19 fold of the estimated maximal expected allele frequency for a pathogenic variant in DSP causing Arrhythmia phenotype (1e-05). c.1483G>A has been observed in individual(s) affected with hypertrophic cardiomyopathy (Lopes 2013). These report(s) do not provide unequivocal conclusions about association of the variant with Arrhythmia. To our knowledge, no experimental evidence demonstrating an impact on protein function has been reported. The following publication have been ascertained in the context of this evaluation (PMID: 23396983). ClinVar contains an entry for this variant (Variation ID: 228635). Based on the evidence outlined above, the variant was classified as likely benign.

Ambry Genetics
Classification: Likely benign for Cardiovascular phenotype. Last evaluated: 2021-07-28. Review status: criteria provided, single submitter. Criteria: Ambry Variant Classification Scheme 2023. Collection method: clinical testing. Allele origin: germline.

Victorian Clinical Genetics Services, Murdoch Childrens Research Institute
Classification: Uncertain significance for Arrhythmogenic right ventricular dysplasia 8. Last evaluated: 2021-05-06. Review status: criteria provided, single submitter. Criteria: ACMG Guidelines, 2015. Collection method: clinical testing. Allele origin: germline. Inheritance: Autosomal dominant inheritance. Affected: yes.
Comment: Based on the classification scheme VCGS_Germline_v1.3.3, this variant is classified as VUS-3C. Following criteria are met: 0102 - Loss of function is a known mechanism of disease in this gene and is associated with ARVC (MIM#607450) and other DSP-related cardiac disorders. (I) 0108 - This gene is associated with both recessive and dominant disease. Variants are usually inherited in a dominant manner, however rare reports of ressesive inheritance have resulted in a more severe cardiac phenotype (OMIM). (I) (I) 0112 - The condition associated with this gene has incomplete penetrance (PMID: 29062697). (I) 0115 - Variants in this gene are known to have variable expressivity (PMID: 29062697). (I) 0200 - Variant is predicted to result in a missense amino acid change from valine to methionine. (I) 0251 - This variant is heterozygous. (I) 0304 - Variant is present in gnomAD <0.01 (v2) (Global population: 48 heterozygotes, 0 homozygotes, Ashkenazi Jewish population: 35 heterozygotes, 0 homozygotes). (I) 0309 - An alternative amino acid change at the same position has been observed in gnomAD (v2) (1 heterozygote, 0 homozygotes). (I) 0501 - Missense variant consistently predicted to be damaging by multiple in silico tools or highly conserved with a major amino acid change. (SP) 0600 - Variant is located in the annotated SH3 domain (NCBI). (I) 0710 - Other missense variants comparable to the one identified in this case have inconclusive previous evidence for pathogenicity. Two different variants in the same codon resulting in changes to alanine and phenylalanine have been reported as VUS in ClinVar. (I) 0808 - Previous reports of pathogenicity for this variant are conflicting. This variant has been previously reported as a VUS and as likely benign in ClinVar. This variant has also been reported in the literature in a HCM patient and a patient with early onset atrial fibrillation (PMIDs: 23396983, 31638414). (I) 0905 - No published segregation evidence has been identified for this variant. (I) 1007 - No published functional evidence has been identified for this variant. (I) 1208 - Inheritance information for this variant is not currently available in this individual. (I) Legend: (SP) - Supporting pathogenic, (I) - Information, (SB) - Supporting benign

GeneDx
Classification: Likely benign. Last evaluated: 2020-09-25. Review status: criteria provided, single submitter. Criteria: GeneDx Variant Classification Process June 2021. Collection method: clinical testing. Allele origin: germline. Affected: yes.
Comment: Reported in at least one individual with HCM (Lopes et al., 2013; Lopes et al., 2015) and identified in unrelated individuals referred for cardiac genetic testing at GeneDx, at least two of whom also harbored pathogenic or likely pathogenic variants in other genes; Reported in ClinVar as a variant of uncertain significance or likely benign variant (ClinVar Variant ID# 228635; Landrum et al., 2016); In silico analysis, which includes protein predictors and evolutionary conservation, supports a deleterious effect; This variant is associated with the following publications: (PMID: 25351510, 30122538, 23396983)

Laboratory for Molecular Medicine, Mass General Brigham Personalized Medicine
Classification: Likely benign. Last evaluated: 2018-04-10. Review status: criteria provided, single submitter. Criteria: LMM Criteria. Collection method: clinical testing. Allele origin: germline. Observed: 1 variant allele.
Comment: proposed classification - variant undergoing re-assessment, contact laboratory

Color Diagnostics, LLC DBA Color Health
Classification: Likely benign for Cardiomyopathy. Last evaluated: 2018-04-07. Review status: criteria provided, single submitter. Criteria: ACMG Guidelines, 2015. Collection method: clinical testing. Allele origin: germline.

Illumina Laboratory Services, Illumina
Classification: Uncertain significance for Arrhythmogenic cardiomyopathy with wooly hair and keratoderma. Last evaluated: 2018-01-13. Review status: criteria provided, single submitter. Criteria: ICSL Variant Classification Criteria 13 December 2019. Collection method: clinical testing. Allele origin: germline.

Illumina Laboratory Services, Illumina
Classification: Uncertain significance for Lethal acantholytic epidermolysis bullosa. Last evaluated: 2018-01-13. Review status: criteria provided, single submitter. Criteria: ICSL Variant Classification Criteria 13 December 2019. Collection method: clinical testing. Allele origin: germline.

Illumina Laboratory Services, Illumina
Classification: Uncertain significance for Arrhythmogenic right ventricular dysplasia 8. Last evaluated: 2018-01-13. Review status: criteria provided, single submitter. Criteria: ICSL Variant Classification Criteria 13 December 2019. Collection method: clinical testing. Allele origin: germline.

Center for Advanced Laboratory Medicine, UC San Diego Health, University of California San Diego
Classification: Uncertain significance for Ventricular tachycardia. Last evaluated: 2017-09-21. Review status: criteria provided, single submitter. Criteria: ACMG Guidelines, 2015. Collection method: clinical testing. Allele origin: germline. Affected: yes. Observed: 1 variant allele.

Literature cited by the submitters: PubMed 23396983 (cited by 3 submitters); PubMed 31638414 (cited by Ambry Genetics and Victorian Clinical Genetics Services, Murdoch Childrens Research Institute); PubMed 29062697 (cited by Victorian Clinical Genetics Services, Murdoch Childrens Research Institute).

NM_004415.4(DSP):c.1483G>A (p.Val495Met)

Gene: DSP (desmoplakin; plus strand). Cytogenetic location: 6p24.3.
Variant type: single nucleotide variant.
Coding change: c.1483G>A on transcript NM_004415.4 (MANE Select); coding-DNA position 1483, G replaced by A.
Protein change: p.Val495Met; replaces valine 495 with methionine.
Molecular consequence: missense variant.
Genome position (GRCh38, 1-based): chr6:7,569,249, G>A. VCF-style: chr6-7569249-G-A. GRCh37 (hg19) VCF-style: chr6-7569482-G-A.
Other names: c.1483G>A, p.Val495Met (NM_001008844.3, NM_001319034.2); c.1483G>A (NM_004415.3); short protein forms V495M.
Identifiers: ClinVar variation 228635 (VCV000228635.44), dbSNP rs372014020, ClinGen allele CA028405.